The following is an entry in ClinVar:

NM_001376.5(DYNC1H1):c.12512A>G (p.Lys4171Arg)

Gene: DYNC1H1 (dynein cytoplasmic 1 heavy chain 1; plus strand). Cytogenetic location: 14q32.31.
Variant type: single nucleotide variant.
Coding change: c.12512A>G on transcript NM_001376.5 (MANE Select); coding-DNA position 12512, A replaced by G.
Protein change: p.Lys4171Arg; replaces lysine 4171 with arginine.
Molecular consequence: missense variant.
Genome position (GRCh38, 1-based): chr14:102,042,747, A>G. VCF-style: chr14-102042747-A-G. GRCh37 (hg19) VCF-style: chr14-102509084-A-G.
Other names: short protein forms K4171R.
Identifiers: ClinVar variation 1352696 (VCV001352696.9), dbSNP rs771674356, ClinGen allele CA7353940.

ClinVar aggregate classification (germline): Uncertain significance (1 of 4 stars; one submission).

Conditions:
Charcot-Marie-Tooth disease axonal type 2O. Also called: Charcot-Marie-Tooth disease, axonal, type 20; CHARCOT-MARIE-TOOTH NEUROPATHY, AXONAL, TYPE 2O; CHARCOT-MARIE-TOOTH DISEASE, AXONAL, AUTOSOMAL DOMINANT, TYPE 2O; Charcot-Marie-Tooth Neuropathy Type 2O. Identifiers: Orphanet 284232, MedGen C3280220, MONDO:0013644, OMIM 614228.

Allele frequency attached by ClinVar (database versions not stated): gnomAD exomes 0.00001; ExAC 0.00002.

Submission:

Labcorp Genetics (formerly Invitae), Labcorp
Classification: Uncertain significance for Charcot-Marie-Tooth disease axonal type 2O. Last evaluated: 2025-03-06. Review status: criteria provided, single submitter. Criteria: Invitae Variant Classification Sherloc (09022015). Collection method: clinical testing. Allele origin: germline.
Comment: This sequence change replaces lysine, which is basic and polar, with arginine, which is basic and polar, at codon 4171 of the DYNC1H1 protein (p.Lys4171Arg). This variant is present in population databases (rs771674356, gnomAD 0.02%). This variant has not been reported in the literature in individuals affected with DYNC1H1-related conditions. ClinVar contains an entry for this variant (Variation ID: 1352696). An algorithm developed to predict the effect of missense changes on protein structure and function (PolyPhen-2) suggests that this variant is likely to be tolerated. In summary, the available evidence is currently insufficient to determine the role of this variant in disease. Therefore, it has been classified as a Variant of Uncertain Significance.